The following is an entry in ClinVar:

ClinVar aggregate classification (germline): Conflicting classifications of pathogenicity. Review status: criteria provided, conflicting classifications (1 of 4 stars). 5 submissions from 5 submitters: Uncertain significance (4); Likely benign (1). Last evaluated 2025-12-23.

Conditions:
Marfan syndrome (MFS). Also called: FBN1-Related Marfan Syndrome; MARFAN SYNDROME, TYPE I; Marfan syndrome type 1; Marfan's syndrome; Marfan syndrome, classic. Identifiers: Orphanet 284963, Orphanet 558, MedGen C0024796, MONDO:0007947, OMIM 154700.
Familial thoracic aortic aneurysm and aortic dissection (TAAD). Also called: Thoracic aortic aneurysms and dissections. Identifiers: Orphanet 91387, MedGen C4707243, MONDO:0019625.

Allele frequency attached by ClinVar (database versions not stated): gnomAD exomes below 0.00001; TOPMed below 0.00001; ExAC 0.00001; gnomAD 0.00001; 1000 Genomes Project 30x 0.00016; 1000 Genomes Project 0.00020.
gnomAD v4.1: 4 of 1,614,164 alleles (0.00025%); highest among the groups gnomAD compares: African/African-American, 0.0027%; no homozygotes.

Submissions (5):

Labcorp Genetics (formerly Invitae), Labcorp
Classification: Likely benign for Marfan syndrome; Familial thoracic aortic aneurysm and aortic dissection. Last evaluated: 2025-12-23. Review status: criteria provided, single submitter. Criteria: Invitae Variant Classification Sherloc (09022015). Collection method: clinical testing. Allele origin: germline.

GeneDx
Classification: Uncertain significance. Last evaluated: 2025-02-24. Review status: criteria provided, single submitter. Criteria: GeneDx Variant Classification Process June 2021. Collection method: clinical testing. Allele origin: germline. Affected: yes.
Comment: Not observed at significant frequency in large population cohorts (gnomAD); In silico analysis supports that this missense variant has a deleterious effect on protein structure/function; Has not been previously published as pathogenic or benign to our knowledge; Does not affect a cysteine or calcium-binding residue within an EGF-like domain or a TGF-binding protein domain of the FBN1 gene; cysteine substitutions in the EGF-like domains represent the majority of pathogenic missense changes associated with FBN1-related disorders (PMID: 12938084); This variant is associated with the following publications: (PMID: 12938084)

Genomic Medicine Center of Excellence, King Faisal Specialist Hospital and Research Centre
Classification: Uncertain significance for Marfan syndrome. Last evaluated: 2024-03-26. Review status: criteria provided, single submitter. Criteria: ACMG Guidelines, 2015. Collection method: clinical testing. Allele origin: germline.

AiLife Diagnostics
Classification: Uncertain significance. Last evaluated: 2021-07-29. Review status: criteria provided, single submitter. Criteria: ACMG Guidelines, 2015. Collection method: clinical testing. Allele origin: germline. Affected: yes. Observed: 1 variant allele.

Ambry Genetics
Classification: Uncertain significance for Familial thoracic aortic aneurysm and aortic dissection. Last evaluated: 2019-02-22. Review status: criteria provided, single submitter. Criteria: Ambry Variant Classification Scheme 2023. Collection method: clinical testing. Allele origin: germline.
Comment: The p.R364Q variant (also known as c.1091G>A), located in coding exon 9 of the FBN1 gene, results from a G to A substitution at nucleotide position 1091. The arginine at codon 364 is replaced by glutamine, an amino acid with highly similar properties. This amino acid position is highly conserved in available vertebrate species. In addition, this alteration is predicted to be deleterious by in silico analysis. Since supporting evidence is limited at this time, the clinical significance of this alteration remains unclear.

NM_000138.5(FBN1):c.1091G>A (p.Arg364Gln)

Genes: FBN1 (fibrillin 1; minus strand), LOC113939944 (Sharpr-MPRA regulatory region 9539; plus strand). Cytogenetic location: 15q21.1.
Variant type: single nucleotide variant.
Coding change: c.1091G>A on transcript NM_000138.5 (MANE Select); coding-DNA position 1091, G replaced by A.
Protein change: p.Arg364Gln; replaces arginine 364 with glutamine.
Molecular consequence: missense variant.
Genome position (GRCh38, 1-based): chr15:48,520,715, C>T on the plus strand (G>A on the coding strand, the complement: FBN1 is on the minus strand). VCF-style: chr15-48520715-C-T. GRCh37 (hg19) VCF-style: chr15-48812912-C-T.
Other names: short protein forms R364Q.
Identifiers: ClinVar variation 1004623 (VCV001004623.14), dbSNP rs536588176, ClinGen allele CA043494.